The following is an entry in ClinVar:

ClinVar aggregate classification (germline): Uncertain significance. Review status: criteria provided, multiple submitters, no conflicts (2 of 4 stars). 3 submissions from 3 submitters: Uncertain significance (3). Last evaluated 2026-03-14.

Conditions:
Immunodeficiency 14b, autosomal recessive. Identifiers: MedGen C5543301, MONDO:0023655, OMIM 619281.
Immunodeficiency 14 (IMD14A). Also called: Activated PI3K Delta Syndrome Type 1 (APDS1); IMMUNODEFICIENCY 14A WITH LYMPHOPROLIFERATION, AUTOSOMAL DOMINANT; ACTIVATED PI3K-DELTA SYNDROME 1; p110-DELTA-ACTIVATING MUTATION CAUSING SENESCENT T CELLS, LYMPHADENOPATHY, AND IMMUNODEFICIENCY. Identifiers: Orphanet 397596, Orphanet 693661, MedGen C5907821, MONDO:0014222, OMIM 615513.

Allele frequency attached by ClinVar (database versions not stated): gnomAD exomes below 0.00001 and 0.00001; ExAC 0.00001; TOPMed 0.00001.
gnomAD v4.1: 13 of 1,613,452 alleles (0.00081%); highest among the groups gnomAD compares: Non-Finnish European, 0.0011%; no homozygotes.

Submissions (3):

Clinical Genomics Laboratory, Washington University in St. Louis
Classification: Uncertain significance for Immunodeficiency 14b, autosomal recessive; Immunodeficiency 14. Last evaluated: 2026-03-14. Review status: criteria provided, single submitter. Criteria: ACMG Guidelines, 2015. Collection method: clinical testing. Allele origin: germline.
Comment: A PIK3CD c.1775T>C (p.Val592Ala) variant was identified at a heterozygous allelic fraction of 50.7%, a frequency which may be consistent with it being of germline origin. The PIK3CD c.1775T>C (p.Val592Ala) variant, to our knowledge, has not been reported in the medical literature in individuals with vascular malformations but has been reported in the ClinVar database as a germline variant of uncertain significance by two submitters (ClinVar ID: 1484772). It is only observed on 13/1,613,452 alleles in the general population (gnomAD v4.1.0), indicating it is not a common variant. Computational predictors indicate that the variant is damaging, evidence that correlates with impact to PIK3CD function. Due to limited information, and based on ACMG/AMP guidelines for variant interpretation (Richards S et al., PMID: 25741868), the clinical significance of this variant is uncertain at this time.

Labcorp Genetics (formerly Invitae), Labcorp
Classification: Uncertain significance for Activated PI3K-delta syndrome. Last evaluated: 2025-04-10. Review status: criteria provided, single submitter. Criteria: Invitae Variant Classification Sherloc (09022015). Collection method: clinical testing. Allele origin: germline.
Comment: This sequence change replaces valine, which is neutral and non-polar, with alanine, which is neutral and non-polar, at codon 592 of the PIK3CD protein (p.Val592Ala). This variant is present in population databases (rs776226369, gnomAD 0.0009%). This missense change has been observed in individual(s) with inflammatory bowel disease (PMID: 32084423). This variant is also known as V616A. ClinVar contains an entry for this variant (Variation ID: 1484772). Invitae Evidence Modeling of protein sequence and biophysical properties (such as structural, functional, and spatial information, amino acid conservation, physicochemical variation, residue mobility, and thermodynamic stability) indicates that this missense variant is expected to disrupt PIK3CD protein function with a positive predictive value of 80%. In summary, the available evidence is currently insufficient to determine the role of this variant in disease. Therefore, it has been classified as a Variant of Uncertain Significance.

CeGaT Center for Human Genetics Tuebingen
Classification: Uncertain significance. Last evaluated: 2025-02-01. Review status: criteria provided, single submitter. Criteria: CeGaT Center For Human Genetics Tuebingen Variant Classification Criteria Version 2. Collection method: clinical testing. Allele origin: germline. Affected: yes. Observed: 1 variant allele.

Literature cited by the submitters: uncertain (cited by Clinical Genomics Laboratory, Washington University in St. Louis); PubMed 32084423 (cited by Labcorp Genetics (formerly Invitae), Labcorp).

NM_005026.5(PIK3CD):c.1775T>C (p.Val592Ala)

Gene: PIK3CD (phosphatidylinositol-4,5-bisphosphate 3-kinase catalytic subunit delta; plus strand). Cytogenetic location: 1p36.22.
Variant type: single nucleotide variant.
Coding change: c.1775T>C on transcript NM_005026.5 (MANE Select); coding-DNA position 1775, T replaced by C.
Protein change: p.Val592Ala; replaces valine 592 with alanine.
Molecular consequence: missense variant.
Genome position (GRCh38, 1-based): chr1:9,721,212, T>C. VCF-style: chr1-9721212-T-C. GRCh37 (hg19) VCF-style: chr1-9781270-T-C.
Other names: c.1772T>C, p.Val591Ala (NM_001350234.2); c.1688T>C, p.Val563Ala (NM_001350235.1); short protein forms V592A, V563A, V591A.
Identifiers: ClinVar variation 1484772 (VCV001484772.20), dbSNP rs776226369, ClinGen allele CA577320.